The following is an entry in ClinVar:

NM_017841.4(SDHAF2):c.218A>T (p.Glu73Val)

Gene: SDHAF2 (succinate dehydrogenase complex assembly factor 2; plus strand). Cytogenetic location: 11q12.2.
Variant type: single nucleotide variant.
Coding change: c.218A>T on transcript NM_017841.4 (MANE Select); coding-DNA position 218, A replaced by T.
Protein change: p.Glu73Val; replaces glutamic acid 73 with valine.
Molecular consequence: missense variant.
Genome position (GRCh38, 1-based): chr11:61,437,806, A>T. VCF-style: chr11-61437806-A-T. GRCh37 (hg19) VCF-style: chr11-61205278-A-T.
Other names: short protein forms E73V.
Identifiers: ClinVar variation 3951375 (VCV003951375.1).

ClinVar aggregate classification (germline): Uncertain significance (1 of 4 stars; one submission).

Conditions:
Hereditary cancer-predisposing syndrome. Also called: Tumor predisposition; Hereditary neoplastic syndrome; Hereditary Cancer Syndrome; Neoplastic Syndromes, Hereditary. Identifiers: Orphanet 140162, MedGen C0027672, MeSH D009386, MONDO:0015356.

Submission:

Ambry Genetics
Classification: Uncertain significance for Hereditary cancer-predisposing syndrome. Last evaluated: 2025-04-25. Review status: criteria provided, single submitter. Criteria: Ambry Variant Classification Scheme 2023. Collection method: clinical testing. Allele origin: germline.
Comment: The p.E73V variant (also known as c.218A>T), located in coding exon 2 of the SDHAF2 gene, results from an A to T substitution at nucleotide position 218. The glutamic acid at codon 73 is replaced by valine, an amino acid with dissimilar properties. This amino acid position is conserved. In addition, this alteration is predicted to be deleterious by in silico analysis. Based on the available evidence, the clinical significance of this variant remains unclear.